The following is an entry in ClinVar:

ClinVar aggregate classification (germline): Likely pathogenic (1 of 4 stars; one submission).

Conditions:
Autosomal recessive limb-girdle muscular dystrophy type 2J (LGMDR10). Also called: Limb-girdle muscular dystrophy, type 2J; MUSCULAR DYSTROPHY, LIMB-GIRDLE, AUTOSOMAL RECESSIVE 10. Identifiers: Orphanet 140922, MedGen C1837342, MONDO:0012127, OMIM 608807.
Dilated cardiomyopathy 1G (CMD1G). Identifiers: Orphanet 154, MedGen C1858763, MONDO:0011400, OMIM 604145.

Allele frequency attached by ClinVar (database versions not stated): TOPMed 0.00003.

Submission:

Labcorp Genetics (formerly Invitae), Labcorp
Classification: Likely pathogenic for Dilated cardiomyopathy 1G; Autosomal recessive limb-girdle muscular dystrophy type 2J. Last evaluated: 2025-09-08. Review status: criteria provided, single submitter. Criteria: Invitae Variant Classification Sherloc (09022015). Collection method: clinical testing. Allele origin: germline.
Comment: This sequence change creates a premature translational stop signal (p.Leu15965*) in the TTN gene. While this is not anticipated to result in nonsense mediated decay, it is expected to create a truncated TTN protein. This variant is not present in population databases (gnomAD no frequency). This variant has not been reported in the literature in individuals affected with TTN-related conditions. ClinVar contains an entry for this variant (Variation ID: 466632). This variant is located in the A band of TTN (PMID: 25589632). Truncating variants in this region are significantly overrepresented in patients affected with dilated cardiomyopathy (PMID: 25589632). Truncating variants in this region have also been reported in individuals affected with autosomal recessive centronuclear myopathy (PMID: 23975875). In summary, the currently available evidence indicates that the variant is pathogenic, but additional data are needed to prove that conclusively. Therefore, this variant has been classified as Likely Pathogenic.

Literature cited by the submitters: PubMed 25589632; PubMed 23975875.

NM_001267550.2(TTN):c.47894T>A (p.Leu15965Ter)

Genes: TTN-AS1 (TTN antisense RNA 1; plus strand), TTN (titin; minus strand). Cytogenetic location: 2q31.2.
Variant type: single nucleotide variant.
Coding change: c.47894T>A on transcript NM_001267550.2 (MANE Select); coding-DNA position 47894, T replaced by A.
Protein change: p.Leu15965Ter; replaces leucine 15965 with a stop codon.
Molecular consequence: nonsense.
Genome position (GRCh38, 1-based): chr2:178,616,995, A>T on the plus strand (T>A on the coding strand, the complement: TTN is on the minus strand). VCF-style: chr2-178616995-A-T. GRCh37 (hg19) VCF-style: chr2-179481722-A-T.
Other names: c.42971T>A, p.Leu14324Ter (NM_001256850.1); c.20699T>A, p.Leu6900Ter (NM_003319.4); c.40190T>A, p.Leu13397Ter (NM_133378.4); c.21074T>A, p.Leu7025Ter (NM_133432.3); c.21275T>A, p.Leu7092Ter (NM_133437.4); short protein forms L15965*, L6900*, L13397*, L14324*, L7025*, L7092*.
Identifiers: ClinVar variation 466632 (VCV000466632.8), dbSNP rs878982457, ClinGen allele CA349612840.